The following is an entry in ClinVar:

ClinVar aggregate classification (germline): Uncertain significance. Review status: criteria provided, multiple submitters, no conflicts (2 of 4 stars). 6 submissions from 6 submitters: Uncertain significance (6). Last evaluated 2026-01-18.

Conditions:
Hereditary cancer-predisposing syndrome. Also called: Neoplastic Syndromes, Hereditary; Hereditary neoplastic syndrome; Tumor predisposition; Hereditary Cancer Syndrome. Identifiers: Orphanet 140162, MedGen C0027672, MeSH D009386, MONDO:0015356.

Allele frequency attached by ClinVar (database versions not stated): ExAC 0.00001; TOPMed 0.00001; gnomAD 0.00002 and 0.00003; gnomAD exomes 0.00002; 1000 Genomes Project 30x 0.00016; 1000 Genomes Project 0.00020.

Submissions (6):

Labcorp Genetics (formerly Invitae), Labcorp
Classification: Uncertain significance. Last evaluated: 2026-01-18. Review status: criteria provided, single submitter. Criteria: Invitae Variant Classification Sherloc (09022015). Collection method: clinical testing. Allele origin: germline.
Comment: This sequence change replaces arginine, which is basic and polar, with tryptophan, which is neutral and slightly polar, at codon 1580 of the POLE protein (p.Arg1580Trp). This variant is present in population databases (rs192908615, gnomAD 0.003%). This variant has not been reported in the literature in individuals affected with POLE-related conditions. ClinVar contains an entry for this variant (Variation ID: 405742). Invitae Evidence Modeling of protein sequence and biophysical properties (such as structural, functional, and spatial information, amino acid conservation, physicochemical variation, residue mobility, and thermodynamic stability) has been performed for this missense variant. However, the output from this modeling did not meet the statistical confidence thresholds required to predict the impact of this variant on POLE protein function. In summary, the available evidence is currently insufficient to determine the role of this variant in disease. Therefore, it has been classified as a Variant of Uncertain Significance.

Center for Genomic Medicine, Rigshospitalet, Copenhagen University Hospital
Classification: Uncertain significance. Last evaluated: 2025-12-29. Review status: criteria provided, single submitter. Criteria: ACMG Guidelines, 2015. Collection method: clinical testing. Allele origin: germline.

Ambry Genetics
Classification: Uncertain significance for Hereditary cancer-predisposing syndrome. Last evaluated: 2025-01-15. Review status: criteria provided, single submitter. Criteria: Ambry Variant Classification Scheme 2023. Collection method: clinical testing. Allele origin: germline.
Comment: The p.R1580W variant (also known as c.4738C>T), located in coding exon 37 of the POLE gene, results from a C to T substitution at nucleotide position 4738. The arginine at codon 1580 is replaced by tryptophan, an amino acid with dissimilar properties. This amino acid position is highly conserved in available vertebrate species. In addition, the in silico prediction for this alteration is inconclusive. Based on the available evidence, the clinical significance of this variant remains unclear.

GeneDx
Classification: Uncertain significance. Last evaluated: 2024-07-09. Review status: criteria provided, single submitter. Criteria: GeneDx Variant Classification Process June 2021. Collection method: clinical testing. Allele origin: germline.
Comment: Not observed at significant frequency in large population cohorts (gnomAD); In silico analysis supports that this missense variant has a deleterious effect on protein structure/function; Observed in a patient with breast cancer (PMID: 32091409); This variant is associated with the following publications: (PMID: 32091409)

CeGaT Center for Human Genetics Tuebingen
Classification: Uncertain significance. Last evaluated: 2019-03-01. Review status: criteria provided, single submitter. Criteria: CeGaT Center For Human Genetics Tuebingen Variant Classification Criteria Version 2. Collection method: clinical testing. Allele origin: germline. Affected: yes. Observed: 1 variant allele.

Quest Diagnostics Nichols Institute San Juan Capistrano
Classification: Uncertain significance. Last evaluated: 2018-12-27. Review status: criteria provided, single submitter. Criteria: Quest Diagnostics criteria. Collection method: clinical testing. Allele origin: germline.

NM_006231.4(POLE):c.4738C>T (p.Arg1580Trp)

Gene: POLE (DNA polymerase epsilon, catalytic subunit; minus strand). Cytogenetic location: 12q24.33.
Variant type: single nucleotide variant.
Coding change: c.4738C>T on transcript NM_006231.4 (MANE Select); coding-DNA position 4738, C replaced by T.
Protein change: p.Arg1580Trp; replaces arginine 1580 with tryptophan.
Molecular consequence: missense variant.
Genome position (GRCh38, 1-based): chr12:132,642,720, G>A on the plus strand (C>T on the coding strand, the complement: POLE is on the minus strand). VCF-style: chr12-132642720-G-A. GRCh37 (hg19) VCF-style: chr12-133219306-G-A.
Other names: short protein forms R1580W.
Identifiers: ClinVar variation 405742 (VCV000405742.58), dbSNP rs192908615, ClinGen allele CA6892722.